The following is an entry in ClinVar:

ClinVar aggregate classification (germline): Uncertain significance (1 of 4 stars; one submission).

Submission:

Labcorp Genetics (formerly Invitae), Labcorp
Classification: Uncertain significance. Last evaluated: 2025-08-17. Review status: criteria provided, single submitter. Criteria: Invitae Variant Classification Sherloc (09022015). Collection method: clinical testing. Allele origin: germline.
Comment: This sequence change replaces serine, which is neutral and polar, with arginine, which is basic and polar, at codon 65 of the MAFB protein (p.Ser65Arg). This variant is not present in population databases (gnomAD no frequency). This missense change has been observed in individual(s) with clinical features of multicentric carpotarsal osteolysis syndrome (internal data). Invitae Evidence Modeling of protein sequence and biophysical properties (such as structural, functional, and spatial information, amino acid conservation, physicochemical variation, residue mobility, and thermodynamic stability) has been performed for this missense variant. However, the output from this modeling did not meet the statistical confidence thresholds required to predict the impact of this variant on MAFB protein function. This variant disrupts the p.Ser65 amino acid residue in MAFB. Other variant(s) that disrupt this residue have been observed in individuals with MAFB-related conditions (PMID: 23956186), which suggests that this may be a clinically significant amino acid residue. In summary, the available evidence is currently insufficient to determine the role of this variant in disease. Therefore, it has been classified as a Variant of Uncertain Significance.

Literature cited by the submitters: PubMed 23956186.

NM_005461.5(MAFB):c.193A>C (p.Ser65Arg)

Gene: MAFB (MAF bZIP transcription factor B; minus strand). Cytogenetic location: 20q12.
Variant type: single nucleotide variant.
Coding change: c.193A>C on transcript NM_005461.5 (MANE Select); coding-DNA position 193, A replaced by C.
Protein change: p.Ser65Arg; replaces serine 65 with arginine.
Molecular consequence: missense variant.
Genome position (GRCh38, 1-based): chr20:40,688,658, T>G on the plus strand (A>C on the coding strand, the complement: MAFB is on the minus strand). VCF-style: chr20-40688658-T-G. GRCh37 (hg19) VCF-style: chr20-39317298-T-G.
Other names: short protein forms S65R.
Identifiers: ClinVar variation 4709863 (VCV004709863.1).